The following is an entry in ClinVar:

ClinVar aggregate classification (germline): Uncertain significance (1 of 4 stars; one submission).

Conditions:
Early-onset Lafora body disease. Also called: Epilepsy, progressive myoclonic, 10. Identifiers: Orphanet 324290, MedGen C4225258, MONDO:0014717, OMIM 616640.

Allele frequency attached by ClinVar (database versions not stated): gnomAD 0.00001; TOPMed 0.00001.
gnomAD v4.1: 3 of 1,251,874 alleles (0.00024%); highest among the groups gnomAD compares: Admixed American, 0.0043%; no homozygotes.

Submission:

Labcorp Genetics (formerly Invitae), Labcorp
Classification: Uncertain significance for Early-onset Lafora body disease. Last evaluated: 2022-10-17. Review status: criteria provided, single submitter. Criteria: Invitae Variant Classification Sherloc (09022015). Collection method: clinical testing. Allele origin: germline.
Comment: This sequence change replaces alanine, which is neutral and non-polar, with threonine, which is neutral and polar, at codon 469 of the PRDM8 protein (p.Ala469Thr). This variant is not present in population databases (gnomAD no frequency). This variant has not been reported in the literature in individuals affected with PRDM8-related conditions. ClinVar contains an entry for this variant (Variation ID: 967393). Algorithms developed to predict the effect of missense changes on protein structure and function are either unavailable or do not agree on the potential impact of this missense change (SIFT: "Deleterious"; PolyPhen-2: "Benign"; Align-GVGD: "Class C0"). In summary, the available evidence is currently insufficient to determine the role of this variant in disease. Therefore, it has been classified as a Variant of Uncertain Significance.

NM_001099403.2(PRDM8):c.1405G>A (p.Ala469Thr)

Gene: PRDM8 (PR/SET domain 8; plus strand). Cytogenetic location: 4q21.21.
Variant type: single nucleotide variant.
Coding change: c.1405G>A on transcript NM_001099403.2 (MANE Select); coding-DNA position 1405, G replaced by A.
Protein change: p.Ala469Thr; replaces alanine 469 with threonine.
Molecular consequence: missense variant.
Genome position (GRCh38, 1-based): chr4:80,202,867, G>A. VCF-style: chr4-80202867-G-A. GRCh37 (hg19) VCF-style: chr4-81124021-G-A.
Other names: c.1405G>A, p.Ala469Thr (NM_020226.4); short protein forms A469T.
Identifiers: ClinVar variation 967393 (VCV000967393.9), dbSNP rs1738641895, ClinGen allele CA357400619.
Genomic context (GRCh38, chr4:80,202,867, plus strand): 5'-CTCGAGGGCGGCAGTCCTGCGAGGGGCAGCGCCTTCACTTCGGTGCCGCAGCTGGGCAGC[G>A]CGGGCAGCACCAGCGGTGGGGGCGGAACGGGCGCCGGGGCCGCAGGCGGCGCGGGCGGGG-3'
Protein context (NP_001092873.1, residues 459-479): AFTSVPQLGS[Ala469Thr]GSTSGGGGTG